The following is an entry in ClinVar:

NM_001042646.3(TRAK1):c.1964-2377T>A

Gene: TRAK1 (trafficking kinesin protein 1; plus strand). Cytogenetic location: 3p22.1.
Variant type: single nucleotide variant.
Coding change: c.1964-2377T>A on transcript NM_001042646.3 (MANE Select); 2377 bases into the intron before coding-DNA position 1964, T replaced by A.
Molecular consequence: intron variant.
Genome position (GRCh38, 1-based): chr3:42,217,117, T>A. VCF-style: chr3-42217117-T-A. GRCh37 (hg19) VCF-style: chr3-42258609-T-A.
Other names: c.1589-2377T>A (NM_001349245.1); c.1964-2377T>A (NM_001349247.2); c.1901-2377T>A (NM_001349246.2); c.1742-2377T>A (NM_001349249.1); c.1679-2377T>A (NM_001349248.1).
Identifiers: ClinVar variation 1695070 (VCV001695070.31), dbSNP rs1019805859, ClinGen allele CA74145301.
Genomic context (GRCh38, chr3:42,217,117, plus strand): 5'-TTCCTGCCAAGAAGGATGTTTTATGTTTCTCTCTCTCTCTCTTTTTTTTTTTTTTTTTTT[T>A]AGAACTTGCTCTCTTCCTGCACCCAGGGCTTTAGGAATCAGCCCGTTGCTTCTCTGTAGC-3'

ClinVar aggregate classification (germline): Benign (1 of 4 stars; one submission).

Allele frequency attached by ClinVar (database versions not stated): gnomAD exomes 0.00158; 1000 Genomes Project 30x 0.00344; gnomAD 0.00961 and 0.01001.
gnomAD v4.1: 1,532 of 217,232 alleles (0.71%); highest among the groups gnomAD compares: Non-Finnish European, 0.79%; 11 homozygotes.

Submission:

CeGaT Center for Human Genetics Tuebingen
Classification: Benign. Last evaluated: 2023-07-01. Review status: criteria provided, single submitter. Criteria: CeGaT Center For Human Genetics Tuebingen Variant Classification Criteria Version 2. Collection method: clinical testing. Allele origin: germline. Affected: yes. Observed: 15 variant alleles.
Comment: TRAK1: BS1, BS2